The following is an entry in ClinVar:

ClinVar aggregate classification (germline): Pathogenic/Likely pathogenic. Review status: criteria provided, multiple submitters, no conflicts (2 of 4 stars). 2 submissions from 2 submitters: Pathogenic (1); Likely pathogenic (1). Last evaluated 2025-06-12.

Conditions:
POLG-related disorder. Also called: POLG-related condition; POLG-Related Disorders; POLG-Related Spectrum Disorders. Identifiers: MedGen C4763519.
Progressive sclerosing poliodystrophy (MTDPS4A). Also called: ALPERS PROGRESSIVE INFANTILE POLIODYSTROPHY; NEURONAL DEGENERATION OF CHILDHOOD WITH LIVER DISEASE, PROGRESSIVE; Alpers Syndrome; ALPERS DIFFUSE DEGENERATION OF CEREBRAL GRAY MATTER WITH HEPATIC CIRRHOSIS; Alpers-Huttenlocher Syndrome; Mitochondrial DNA depletion syndrome 4A (Alpers type). Identifiers: Orphanet 726, MedGen C0205710, MONDO:0008758, OMIM 203700.

gnomAD v4.1: 2 of 1,613,250 alleles (0.00012%); highest among the groups gnomAD compares: Non-Finnish European, 0.00017%; no homozygotes.

Submissions (2):

Labcorp Genetics (formerly Invitae), Labcorp
Classification: Pathogenic for Progressive sclerosing poliodystrophy. Last evaluated: 2025-06-12. Review status: criteria provided, single submitter. Criteria: Invitae Variant Classification Sherloc (09022015). Collection method: clinical testing. Allele origin: germline.
Comment: This sequence change replaces tryptophan, which is neutral and slightly polar, with arginine, which is basic and polar, at codon 312 of the POLG protein (p.Trp312Arg). This variant is not present in population databases (gnomAD no frequency). This missense change has been observed in individual(s) with autosomal recessive POLG-related conditions (PMID: 20601675). In at least one individual the data is consistent with being in trans (on the opposite chromosome) from a pathogenic variant. ClinVar contains an entry for this variant (Variation ID: 3721845). Invitae Evidence Modeling of protein sequence and biophysical properties (such as structural, functional, and spatial information, amino acid conservation, physicochemical variation, residue mobility, and thermodynamic stability) indicates that this missense variant is expected to disrupt POLG protein function with a positive predictive value of 95%. For these reasons, this variant has been classified as Pathogenic.

Myriad Genetics, Inc.
Classification: Likely pathogenic for POLG-related disorder. Last evaluated: 2025-01-15. Review status: criteria provided, single submitter. Criteria: Myriad Autosomal Dominant, Autosomal Recessive and X-Linked Classification Criteria (2023). Collection method: clinical testing. Allele origin: unknown.
Comment: NM_002693.2(POLG):c.934T>C(W312R) is a missense variant classified as likely pathogenic in the context of POLG-related disorders. W312R has been observed in cases with relevant disease (PMID: 16621917, 14635118, 38703036, 28130605, 30076399). Relevant functional assessments of this variant are not available in the literature. W312R has not been observed in referenced population frequency databases. In summary, NM_002693.2(POLG):c.934T>C(W312R) is a missense variant that has been observed more frequently in cases with the relevant disease than in healthy populations. Please note: this variant was assessed in the context of healthy population screening.

Literature cited by the submitters: PubMed 20601675 (cited by Labcorp Genetics (formerly Invitae), Labcorp); PubMed 14635118 (cited by Myriad Genetics, Inc.); PubMed 16621917 (cited by Myriad Genetics, Inc.); PubMed 28130605 (cited by Myriad Genetics, Inc.); PubMed 30076399 (cited by Myriad Genetics, Inc.); PubMed 38703036 (cited by Myriad Genetics, Inc.).

NM_002693.3(POLG):c.934T>C (p.Trp312Arg)

Gene: POLG (DNA polymerase gamma, catalytic subunit; minus strand). Cytogenetic location: 15q26.1.
Variant type: single nucleotide variant.
Coding change: c.934T>C on transcript NM_002693.3 (MANE Select); coding-DNA position 934, T replaced by C.
Protein change: p.Trp312Arg; replaces tryptophan 312 with arginine.
Molecular consequence: missense variant.
Genome position (GRCh38, 1-based): chr15:89,329,032, A>G on the plus strand (T>C on the coding strand, the complement: POLG is on the minus strand). VCF-style: chr15-89329032-A-G. GRCh37 (hg19) VCF-style: chr15-89872263-A-G.
Other names: c.934T>C, p.Trp312Arg (NM_001126131.2); short protein forms W312R.
Identifiers: ClinVar variation 3721845 (VCV003721845.3).